The following is an entry in ClinVar:

NM_022369.4(STRA6):c.902C>T (p.Thr301Ile)

Gene: STRA6 (signaling receptor and transporter of retinol STRA6; minus strand). Cytogenetic location: 15q24.1.
Variant type: single nucleotide variant.
Coding change: c.902C>T on transcript NM_022369.4 (MANE Select); coding-DNA position 902, C replaced by T.
Protein change: p.Thr301Ile; replaces threonine 301 with isoleucine.
Molecular consequence: missense variant.
Genome position (GRCh38, 1-based): chr15:74,190,865, G>A on the plus strand (C>T on the coding strand, the complement: STRA6 is on the minus strand). VCF-style: chr15-74190865-G-A. GRCh37 (hg19) VCF-style: chr15-74483206-G-A.
Other names: c.902C>T, p.Thr301Ile (NM_001142617.2, NM_001142618.2); c.875C>T, p.Thr292Ile (NM_001142619.2); c.1013C>T, p.Thr338Ile (NM_001199040.2); c.947C>T, p.Thr316Ile (NM_001199041.2); c.1019C>T, p.Thr340Ile (NM_001199042.2); short protein forms T292I, T301I, T340I, T316I, T338I.
Identifiers: ClinVar variation 772765 (VCV000772765.17), dbSNP rs139450204, ClinGen allele CA7654768.

ClinVar aggregate classification (germline): Conflicting classifications of pathogenicity. Review status: criteria provided, conflicting classifications (1 of 4 stars). 6 submissions from 6 submitters: Uncertain significance (1); Likely benign (2). 3 of the submissions do not count toward it. Last evaluated 2025-08-12.

Conditions:
STRA6-related disorder. Also called: STRA6-related condition.
Microphthalmia, syndromic 9. Also called: ANOPHTHALMIA, CLINICAL, WITH MILD FACIAL DYSMORPHISM AND VARIABLE MALFORMATIONS OF THE LUNG, HEART, AND DIAPHRAGM; ANOPHTHALMIA/MICROPHTHALMIA AND PULMONARY HYPOPLASIA; PULMONARY AGENESIS, MICROPHTHALMIA, AND DIAPHRAGMATIC DEFECT; SPEAR SYNDROME; Matthew-Wood syndrome. Identifiers: Orphanet 2470, MedGen C1832661, MONDO:0011010, OMIM 601186.

Allele frequency attached by ClinVar (database versions not stated): ESP Exome Variant Server 0.00023; gnomAD exomes 0.00029 and 0.00043; ExAC 0.00035; gnomAD 0.00040 and 0.00041; TOPMed 0.00058; 1000 Genomes Project 30x 0.00078; 1000 Genomes Project 0.00080.
gnomAD v4.1: 527 of 1,614,132 alleles (0.033%); highest among the groups gnomAD compares: Middle Eastern, 0.3%; no homozygotes.

Submissions (6):

Labcorp Genetics (formerly Invitae), Labcorp
Classification: Likely benign for Microphthalmia, syndromic 9. Last evaluated: 2025-08-12. Review status: criteria provided, single submitter. Criteria: Invitae Variant Classification Sherloc (09022015). Collection method: clinical testing. Allele origin: germline.

GeneDx
Classification: Uncertain significance. Last evaluated: 2022-10-17. Review status: criteria provided, single submitter. Criteria: GeneDx Variant Classification Process June 2021. Collection method: clinical testing. Allele origin: germline. Affected: yes.
Comment: In silico analysis supports that this missense variant does not alter protein structure/function; Has not been previously published in peer-reviewed literature as pathogenic or benign to our knowledge; This variant is associated with the following publications: (PMID: Bakshi_2020_Thesis)

Breakthrough Genomics
Classification: Likely benign. Review status: criteria provided, single submitter. Criteria: ACMG Guidelines, 2015. Collection method: not provided. Allele origin: germline. Inheritance: Autosomal recessive inheritance. Affected: yes.

PreventionGenetics, part of Exact Sciences
Classification: Likely benign for STRA6-related condition. Last evaluated: 2022-08-01. Review status: no assertion criteria provided. Collection method: clinical testing. Allele origin: germline. Not counted in ClinVar's aggregate classification.
Comment: This variant is classified as likely benign based on ACMG/AMP sequence variant interpretation guidelines (Richards et al. 2015 PMID: 25741868, with internal and published modifications).

Clinical Genetics DNA and cytogenetics Diagnostics Lab, Erasmus MC, Erasmus Medical Center
Classification: Uncertain significance. Review status: no assertion criteria provided. Collection method: clinical testing. Allele origin: germline. Affected: yes. Study: VKGL Data-share Consensus. Not counted in ClinVar's aggregate classification.

Diagnostic Laboratory, Department of Genetics, University Medical Center Groningen
Classification: Uncertain significance. Review status: no assertion criteria provided. Collection method: clinical testing. Allele origin: germline. Affected: yes. Study: VKGL Data-share Consensus. Not counted in ClinVar's aggregate classification.